The following is an entry in ClinVar:

ClinVar aggregate classification (germline): Uncertain significance (0 of 4 stars; one submission).

Conditions:
FLNA-related disorder.

Allele frequency attached by ClinVar (database versions not stated): gnomAD exomes below 0.00001; ExAC 0.00001.

Submission:

PreventionGenetics, part of Exact Sciences
Classification: Uncertain significance for FLNA-related condition. Last evaluated: 2024-01-15. Review status: no assertion criteria provided. Collection method: clinical testing. Allele origin: germline.
Comment: The FLNA c.7354G>A variant is predicted to result in the amino acid substitution p.Val2452Met. To our knowledge, this variant has not been reported in the literature. This variant is reported in 0.0074% of alleles in individuals of East Asian descent in gnomAD. At this time, the clinical significance of this variant is uncertain due to the absence of conclusive functional and genetic evidence.

NM_001110556.2(FLNA):c.7354G>A (p.Val2452Met)

Gene: FLNA (filamin A; minus strand). Cytogenetic location: Xq28.
Variant type: single nucleotide variant.
Coding change: c.7354G>A on transcript NM_001110556.2 (MANE Select); coding-DNA position 7354, G replaced by A.
Protein change: p.Val2452Met; replaces valine 2452 with methionine.
Molecular consequence: missense variant.
Genome position (GRCh38, 1-based): chrX:154,349,847, C>T on the plus strand (G>A on the coding strand, the complement: FLNA is on the minus strand). VCF-style: chrX-154349847-C-T. GRCh37 (hg19) VCF-style: chrX-153578215-C-T.
Other names: c.7330G>A, p.Val2444Met (NM_001456.4); short protein forms V2444M, V2452M.
Identifiers: ClinVar variation 3035425 (VCV003035425.2), dbSNP rs782450850, ClinGen allele CA10559901.